The following is an entry in ClinVar:

ClinVar aggregate classification (germline): Uncertain significance (1 of 4 stars; one submission).

Conditions:
Glycogen storage disease IXa1. Also called: GLYCOGEN STORAGE DISEASE VIII; GSD VIII; Glycogen storage disease 8; LIVER GLYCOGENOSIS, X-LINKED, TYPE I. Identifiers: Orphanet 264580, MedGen C3694531, MONDO:0010598, OMIM 306000.

Allele frequency attached by ClinVar (database versions not stated): gnomAD exomes below 0.00001.
gnomAD v4.1: 1 of 1,210,892 alleles (0.000083%); highest among the groups gnomAD compares: Non-Finnish European, 0.00011%; no homozygotes.

Submission:

Labcorp Genetics (formerly Invitae), Labcorp
Classification: Uncertain significance for Glycogen storage disease IXa1. Last evaluated: 2021-02-04. Review status: criteria provided, single submitter. Criteria: Invitae Variant Classification Sherloc (09022015). Collection method: clinical testing. Allele origin: germline.
Comment: This sequence change falls in intron 22 of the PHKA2 gene. It does not directly change the encoded amino acid sequence of the PHKA2 protein. It affects a nucleotide within the consensus splice site of the intron. This variant is not present in population databases (ExAC no frequency). This variant has been observed in individual(s) with glycogen storage disease type IXa (Invitae). Nucleotide substitutions within the consensus splice site are a relatively common cause of aberrant splicing (PMID: 17576681, 9536098). Algorithms developed to predict the effect of sequence changes on RNA splicing suggest that this variant may disrupt the consensus splice site, but this prediction has not been confirmed by published transcriptional studies. In summary, the available evidence is currently insufficient to determine the role of this variant in disease. Therefore, it has been classified as a Variant of Uncertain Significance.

Literature cited by the submitters: PubMed 17576681; PubMed 9536098.

NM_000292.3(PHKA2):c.2517+5G>A

Gene: PHKA2 (phosphorylase kinase regulatory subunit alpha 2; minus strand). Cytogenetic location: Xp22.13.
Variant type: single nucleotide variant.
Coding change: c.2517+5G>A on transcript NM_000292.3 (MANE Select); 5 bases into the intron after coding-DNA position 2517, G replaced by A.
Molecular consequence: intron variant.
Genome position (GRCh38, 1-based): chrX:18,907,895, C>T on the plus strand (G>A on the coding strand, the complement: PHKA2 is on the minus strand). VCF-style: chrX-18907895-C-T. GRCh37 (hg19) VCF-style: chrX-18926013-C-T.
Identifiers: ClinVar variation 1006090 (VCV001006090.8), dbSNP rs2047850403, ClinGen allele CA2418077415.